The following is an entry in ClinVar:

ClinVar aggregate classification (germline): Conflicting classifications of pathogenicity. Review status: criteria provided, conflicting classifications (1 of 4 stars). 3 submissions from 3 submitters: Uncertain significance (2); Likely benign (1). Last evaluated 2025-04-23.

Conditions:
Inborn genetic diseases. Identifiers: MedGen C0950123, MeSH D030342.

Allele frequency attached by ClinVar (database versions not stated): TOPMed 0.00002; gnomAD 0.00004 and 0.00003; ExAC 0.00007; gnomAD exomes 0.00004 and 0.00006.
gnomAD v4.1: 85 of 1,602,228 alleles (0.0053%); highest among the groups gnomAD compares: Non-Finnish European, 0.007%; no homozygotes.

Submissions (3):

Women's Health and Genetics/Laboratory Corporation of America, LabCorp
Classification: Uncertain significance. Last evaluated: 2025-04-23. Review status: criteria provided, single submitter. Criteria: LabCorp Variant Classification Summary - May 2015. Collection method: clinical testing. Allele origin: germline.
Comment: Variant summary: HPS6 c.523A>G (p.Ser175Gly) results in a non-conservative amino acid change in the encoded protein sequence. Four of five in-silico tools predict a benign effect of the variant on protein function. The variant allele was found at a frequency of 4.2e-05 in 236604 control chromosomes. This frequency is not significantly higher than estimated for a pathogenic variant in HPS6 causing Hermansky-Pudlak Syndrome (4.2e-05 vs 0.00063), allowing no conclusion about variant significance. To our knowledge, no occurrence of c.523A>G in individuals affected with Hermansky-Pudlak Syndrome and no experimental evidence demonstrating its impact on protein function have been reported. ClinVar contains an entry for this variant (Variation ID: 1371479). Based on the evidence outlined above, the variant was classified as uncertain significance.

Ambry Genetics
Classification: Likely benign for Inborn genetic diseases. Last evaluated: 2023-02-13. Review status: criteria provided, single submitter. Criteria: Ambry Variant Classification Scheme 2023. Collection method: clinical testing. Allele origin: germline.

Labcorp Genetics (formerly Invitae), Labcorp
Classification: Uncertain significance. Last evaluated: 2022-08-15. Review status: criteria provided, single submitter. Criteria: Invitae Variant Classification Sherloc (09022015). Collection method: clinical testing. Allele origin: germline.
Comment: This sequence change replaces serine, which is neutral and polar, with glycine, which is neutral and non-polar, at codon 175 of the HPS6 protein (p.Ser175Gly). This variant is present in population databases (rs761258579, gnomAD 0.009%). This variant has not been reported in the literature in individuals affected with HPS6-related conditions. ClinVar contains an entry for this variant (Variation ID: 1371479). Algorithms developed to predict the effect of missense changes on protein structure and function output the following: SIFT: "Tolerated"; PolyPhen-2: "Benign"; Align-GVGD: "Class C0". The glycine amino acid residue is found in multiple mammalian species, which suggests that this missense change does not adversely affect protein function. In summary, the available evidence is currently insufficient to determine the role of this variant in disease. Therefore, it has been classified as a Variant of Uncertain Significance.

NM_024747.6(HPS6):c.523A>G (p.Ser175Gly)

Gene: HPS6 (HPS6 biogenesis of lysosomal organelles complex 2 subunit 3; plus strand). Cytogenetic location: 10q24.32.
Variant type: single nucleotide variant.
Coding change: c.523A>G on transcript NM_024747.6 (MANE Select); coding-DNA position 523, A replaced by G.
Protein change: p.Ser175Gly; replaces serine 175 with glycine.
Molecular consequence: missense variant.
Genome position (GRCh38, 1-based): chr10:102,065,997, A>G. VCF-style: chr10-102065997-A-G. GRCh37 (hg19) VCF-style: chr10-103825754-A-G.
Other names: c.523A>G (NM_024747.5); short protein forms S175G.
Identifiers: ClinVar variation 1371479 (VCV001371479.6), dbSNP rs761258579, ClinGen allele CA5659796.